The following is an entry in ClinVar:

ClinVar aggregate classification (germline): Uncertain significance. Review status: criteria provided, multiple submitters, no conflicts (2 of 4 stars). 4 submissions from 4 submitters: Uncertain significance (3). 1 of the submissions does not count toward it. Last evaluated 2023-01-11.

Conditions:
Retinal dystrophy. Also called: Inherited retinal dystrophy. Identifiers: Orphanet 71862, MedGen C0854723, MeSH D058499, MONDO:0019118, HP:0000556.
Retinitis pigmentosa (RP). Identifiers: Orphanet 791, MedGen C0035334, MeSH D012174, MONDO:0019200, OMIM 268000. Inheritance: Autosomal dominant, autosomal recessive and X linked inheritance.

Allele frequency attached by ClinVar (database versions not stated): gnomAD exomes below 0.00001; gnomAD 0.00001.
gnomAD v4.1: 3 of 1,613,874 alleles (0.00019%); highest among the groups gnomAD compares: Admixed American, 0.0017%; no homozygotes.

Submissions (4):

Labcorp Genetics (formerly Invitae), Labcorp
Classification: Uncertain significance. Last evaluated: 2023-01-11. Review status: criteria provided, single submitter. Criteria: Invitae Variant Classification Sherloc (09022015). Collection method: clinical testing. Allele origin: germline.
Comment: Algorithms developed to predict the effect of missense changes on protein structure and function (SIFT, PolyPhen-2, Align-GVGD) all suggest that this variant is likely to be disruptive. In summary, the available evidence is currently insufficient to determine the role of this variant in disease. Therefore, it has been classified as a Variant of Uncertain Significance. ClinVar contains an entry for this variant (Variation ID: 363277). This variant has not been reported in the literature in individuals affected with RP1-related conditions. This variant is present in population databases (no rsID available, gnomAD 0.0009%). This sequence change replaces arginine, which is basic and polar, with histidine, which is basic and polar, at codon 25 of the RP1 protein (p.Arg25His).

GeneDx
Classification: Uncertain significance. Last evaluated: 2019-05-29. Review status: criteria provided, single submitter. Criteria: GeneDx Variant Classification Process June 2021. Collection method: clinical testing. Allele origin: germline. Affected: yes.
Comment: In silico analysis, which includes protein predictors and evolutionary conservation, supports a deleterious effect; Has not been previously published as pathogenic or benign to our knowledge

Illumina Laboratory Services, Illumina
Classification: Uncertain significance for Retinitis pigmentosa. Last evaluated: 2018-01-12. Review status: criteria provided, single submitter. Criteria: ICSL Variant Classification Criteria 13 December 2019. Collection method: clinical testing. Allele origin: germline.

Institute of Human Genetics, Univ. Regensburg, Univ. Regensburg
Classification: Uncertain significance for Retinal dystrophy. Last evaluated: 2008-01-01. Review status: no assertion criteria provided. Criteria: ACMG Guidelines, 2015. Collection method: clinical testing. Allele origin: germline. Affected: yes. Not counted in ClinVar's aggregate classification.

NM_006269.2(RP1):c.74G>A (p.Arg25His)

Gene: RP1 (RP1 axonemal microtubule associated; plus strand). Cytogenetic location: 8q12.1.
Variant type: single nucleotide variant.
Coding change: c.74G>A on transcript NM_006269.2 (MANE Select); coding-DNA position 74, G replaced by A.
Protein change: p.Arg25His; replaces arginine 25 with histidine.
Molecular consequence: missense variant.
Genome position (GRCh38, 1-based): chr8:54,621,040, G>A. VCF-style: chr8-54621040-G-A. GRCh37 (hg19) VCF-style: chr8-55533600-G-A.
Other names: short protein forms R25H.
Identifiers: ClinVar variation 363277 (VCV000363277.10), dbSNP rs886062989, ClinGen allele CA10625574.